The following is an entry in ClinVar:

ClinVar aggregate classification (germline): Uncertain significance (1 of 4 stars; one submission).

Conditions:
Baller-Gerold syndrome (BGS). Also called: CRANIOSYNOSTOSIS WITH RADIAL DEFECTS. Identifiers: Orphanet 1225, MedGen C0265308, MONDO:0009039, OMIM 218600.

Submission:

Labcorp Genetics (formerly Invitae), Labcorp
Classification: Uncertain significance for Baller-Gerold syndrome. Last evaluated: 2020-08-24. Review status: criteria provided, single submitter. Criteria: Invitae Variant Classification Sherloc (09022015). Collection method: clinical testing. Allele origin: germline.
Comment: This sequence change replaces glutamic acid with glycine at codon 1063 of the RECQL4 protein (p.Glu1063Gly). The glutamic acid residue is highly conserved and there is a moderate physicochemical difference between glutamic acid and glycine. This variant is not present in population databases (ExAC no frequency). This variant has not been reported in the literature in individuals with RECQL4-related conditions. Experimental studies and prediction algorithms are not available or were not evaluated, and the functional significance of this variant is currently unknown. In summary, the available evidence is currently insufficient to determine the role of this variant in disease. Therefore, it has been classified as a Variant of Uncertain Significance.

NM_004260.4(RECQL4):c.3188A>G (p.Glu1063Gly)

Gene: RECQL4 (RecQ like helicase 4; minus strand). Cytogenetic location: 8q24.3.
Variant type: single nucleotide variant.
Coding change: c.3188A>G on transcript NM_004260.4 (MANE Select); coding-DNA position 3188, A replaced by G.
Protein change: p.Glu1063Gly; replaces glutamic acid 1063 with glycine.
Molecular consequence: missense variant.
Genome position (GRCh38, 1-based): chr8:144,512,192, T>C on the plus strand (A>G on the coding strand, the complement: RECQL4 is on the minus strand). VCF-style: chr8-144512192-T-C. GRCh37 (hg19) VCF-style: chr8-145737575-T-C.
Other names: short protein forms E1063G.
Identifiers: ClinVar variation 1022401 (VCV001022401.5), dbSNP rs1827365223, ClinGen allele CA372669969.